The following is an entry in ClinVar:

ClinVar aggregate classification (germline): Uncertain significance (1 of 4 stars; one submission).

Submission:

GeneDx
Classification: Uncertain significance. Last evaluated: 2023-09-14. Review status: criteria provided, single submitter. Criteria: GeneDx Variant Classification Process June 2021. Collection method: clinical testing. Allele origin: germline. Affected: yes.
Comment: Reported as hemizygous in an individual from a large cohort of patients with either Duchenne or Becker muscular dystrophy, however further clinical details were not provided (Cho et al., 2017); Not observed at significant frequency in large population cohorts (gnomAD); In silico analysis supports that this missense variant has a deleterious effect on protein structure/function; Missense variant in a gene in which most reported pathogenic variants are truncating/loss of function; This variant is associated with the following publications: (PMID: 27593222)

NM_004006.3(DMD):c.488G>C (p.Trp163Ser)

Gene: DMD (dystrophin; minus strand). Cytogenetic location: Xp21.1.
Variant type: single nucleotide variant.
Coding change: c.488G>C on transcript NM_004006.3 (MANE Select); coding-DNA position 488, G replaced by C.
Protein change: p.Trp163Ser; replaces tryptophan 163 with serine.
Molecular consequence: missense variant.
Genome position (GRCh38, 1-based): chrX:32,816,510, C>G on the plus strand (G>C on the coding strand, the complement: DMD is on the minus strand). VCF-style: chrX-32816510-C-G. GRCh37 (hg19) VCF-style: chrX-32834627-C-G.
Other names: c.464G>C, p.Trp155Ser (NM_000109.4); c.476G>C, p.Trp159Ser (NM_004009.3); c.119G>C, p.Trp40Ser (NM_004010.3); short protein forms W155S, W159S, W163S, W40S.
Identifiers: ClinVar variation 3340392 (VCV003340392.1).